The following is an entry in ClinVar:

ClinVar aggregate classification (germline): Uncertain significance. Review status: criteria provided, multiple submitters, no conflicts (2 of 4 stars). 2 submissions from 2 submitters: Uncertain significance (2). Last evaluated 2026-01-23.

Conditions:
Schwartz-Jampel syndrome type 1 (SJS1). Also called: MYOTONIC MYOPATHY, DWARFISM, CHONDRODYSTROPHY, AND OCULAR AND FACIAL ABNORMALITIES; CHONDRODYSTROPHIC MYOTONIA. Identifiers: MedGen C4551479, MONDO:0100435, OMIM 255800.

gnomAD v4.1: 2 of 1,614,100 alleles (0.00012%); highest among the groups gnomAD compares: Non-Finnish European, 0.00017%; no homozygotes.

Submissions (2):

Dasa
Classification: Uncertain significance for Schwartz-Jampel syndrome type 1. Last evaluated: 2026-01-23. Review status: criteria provided, single submitter. Criteria: DASA Assertion Criteria. Collection method: clinical testing. Allele origin: germline.
Comment: NM_005529.7(HSPG2):c.2170C>T (p.Arg724Cys) is a missense variant that results in the substitution of arginine with cysteine. This variant is rare in population databases. The currently available literature and clinical evidence are not sufficient to establish a definitive association between this variant and the reported condition. Therefore, this variant is classified as a variant of uncertain significance.

Labcorp Genetics (formerly Invitae), Labcorp
Classification: Uncertain significance. Last evaluated: 2022-04-11. Review status: criteria provided, single submitter. Criteria: Invitae Variant Classification Sherloc (09022015). Collection method: clinical testing. Allele origin: germline.
Comment: This sequence change replaces arginine, which is basic and polar, with cysteine, which is neutral and slightly polar, at codon 724 of the HSPG2 protein (p.Arg724Cys). This variant is not present in population databases (gnomAD no frequency). This variant has not been reported in the literature in individuals affected with HSPG2-related conditions. Algorithms developed to predict the effect of missense changes on protein structure and function are either unavailable or do not agree on the potential impact of this missense change (SIFT: "Deleterious"; PolyPhen-2: "Possibly Damaging"; Align-GVGD: "Class C0"). In summary, the available evidence is currently insufficient to determine the role of this variant in disease. Therefore, it has been classified as a Variant of Uncertain Significance.

NM_005529.7(HSPG2):c.2170C>T (p.Arg724Cys)

Gene: HSPG2 (heparan sulfate proteoglycan 2; minus strand). Cytogenetic location: 1p36.12.
Variant type: single nucleotide variant.
Coding change: c.2170C>T on transcript NM_005529.7 (MANE Select); coding-DNA position 2170, C replaced by T.
Protein change: p.Arg724Cys; replaces arginine 724 with cysteine.
Molecular consequence: missense variant.
Genome position (GRCh38, 1-based): chr1:21,880,388, G>A on the plus strand (C>T on the coding strand, the complement: HSPG2 is on the minus strand). VCF-style: chr1-21880388-G-A. GRCh37 (hg19) VCF-style: chr1-22206881-G-A.
Other names: c.2173C>T, p.Arg725Cys (NM_001291860.2); short protein forms R724C, R725C.
Identifiers: ClinVar variation 2121699 (VCV002121699.6), dbSNP rs753856786, ClinGen allele CA338965464.